The following is an entry in ClinVar:

NM_033305.3(VPS13A):c.6859G>C (p.Gly2287Arg)

Gene: VPS13A (vacuolar protein sorting 13 homolog A; plus strand). Cytogenetic location: 9q21.2.
Variant type: single nucleotide variant.
Coding change: c.6859G>C on transcript NM_033305.3 (MANE Select); coding-DNA position 6859, G replaced by C.
Protein change: p.Gly2287Arg; replaces glycine 2287 with arginine.
Molecular consequence: missense variant.
Genome position (GRCh38, 1-based): chr9:77,340,262, G>C. VCF-style: chr9-77340262-G-C. GRCh37 (hg19) VCF-style: chr9-79955178-G-C.
Other names: c.6742G>C, p.Gly2248Arg (NM_001018037.2); c.6859G>C, p.Gly2287Arg (NM_001018038.3, NM_015186.4); short protein forms G2248R, G2287R.
Identifiers: ClinVar variation 2504208 (VCV002504208.1), dbSNP rs751876345, ClinGen allele CA373851785.

ClinVar aggregate classification (germline): Uncertain significance (1 of 4 stars; one submission).

Submission:

GeneDx
Classification: Uncertain significance. Last evaluated: 2022-12-05. Review status: criteria provided, single submitter. Criteria: GeneDx Variant Classification Process June 2021. Collection method: clinical testing. Allele origin: germline. Affected: yes.
Comment: Not observed at significant frequency in large population cohorts (gnomAD); In silico analysis supports that this missense variant has a deleterious effect on protein structure/function; Has not been previously published as pathogenic or benign to our knowledge